The following is an entry in ClinVar:

NM_014140.4(SMARCAL1):c.836T>C (p.Phe279Ser)

Gene: SMARCAL1 (SNF2 related chromatin remodeling annealing helicase 1; plus strand). Cytogenetic location: 2q35.
Variant type: single nucleotide variant.
Coding change: c.836T>C on transcript NM_014140.4 (MANE Select); coding-DNA position 836, T replaced by C.
Protein change: p.Phe279Ser; replaces phenylalanine 279 with serine.
Molecular consequence: missense variant.
Genome position (GRCh38, 1-based): chr2:216,416,281, T>C. VCF-style: chr2-216416281-T-C. GRCh37 (hg19) VCF-style: chr2-217281004-T-C.
Other names: c.836T>C, p.Phe279Ser (NM_001127207.2); short protein forms F279S.
Identifiers: ClinVar variation 562357 (VCV000562357.20), dbSNP rs775057827, ClinGen allele CA2097700.

ClinVar aggregate classification (germline): Pathogenic/Likely pathogenic. Review status: criteria provided, multiple submitters, no conflicts (2 of 4 stars). 9 submissions from 9 submitters: Pathogenic (1); Likely pathogenic (4). 4 of the submissions do not count toward it. Last evaluated 2026-01-25.

Conditions:
Schimke immuno-osseous dysplasia (SIOD). Also called: Schimke Immunoosseous Dysplasia. Identifiers: MedGen C0877024, MONDO:0009458, OMIM 242900, Orphanet 1830.

Allele frequency attached by ClinVar (database versions not stated): gnomAD 0.00006; TOPMed 0.00006; gnomAD exomes 0.00008 and 0.00011; ExAC 0.00016.
gnomAD v4.1: 118 of 1,613,710 alleles (0.0073%); highest among the groups gnomAD compares: Non-Finnish European, 0.0092%; 1 homozygote.

Submissions (9):

Labcorp Genetics (formerly Invitae), Labcorp
Classification: Likely pathogenic for Schimke immuno-osseous dysplasia. Last evaluated: 2026-01-25. Review status: criteria provided, single submitter. Criteria: Invitae Variant Classification Sherloc (09022015). Collection method: clinical testing. Allele origin: germline.
Comment: This sequence change replaces phenylalanine, which is neutral and non-polar, with serine, which is neutral and polar, at codon 279 of the SMARCAL1 protein (p.Phe279Ser). This variant is present in population databases (rs775057827, gnomAD 0.02%). This missense change has been observed in individual(s) with clinical features of Schimke immunoosseous dysplasia (PMID: 15880370, 15884045, 17089404, 21914180, 22998683, 26499378, 30586318). In at least one individual the data is consistent with being in trans (on the opposite chromosome) from a pathogenic variant. It has also been observed to segregate with disease in related individuals. ClinVar contains an entry for this variant (Variation ID: 562357). Invitae Evidence Modeling of protein sequence and biophysical properties (such as structural, functional, and spatial information, amino acid conservation, physicochemical variation, residue mobility, and thermodynamic stability) has been performed for this missense variant. However, the output from this modeling did not meet the statistical confidence thresholds required to predict the impact of this variant on SMARCAL1 protein function. In summary, the currently available evidence indicates that the variant is pathogenic, but additional data are needed to prove that conclusively. Therefore, this variant has been classified as Likely Pathogenic.

Natera, Inc.
Classification: Pathogenic for Schimke immuno-osseous dysplasia. Last evaluated: 2025-07-11. Review status: criteria provided, single submitter. Criteria: Natera Variant Classification Schema (03/2026). Collection method: clinical testing. Allele origin: germline.
Comment: The c.836T>C variant in SMARCAL1 is a missense variant predicted to cause substitution of phenylalanine to serine at amino acid 279. This variant is rare in the general population with a frequency below the threshold expected for the associated phenotype(s). This variant has been observed in one or more individuals affected with the associated recessive disease, as either homozygous or compound heterozygous with a second variant (PMID: 28796785, 18785907). Computational prediction algorithms indicate this variant is likely to affect gene or protein function. Given the available evidence, this variant is classified as Pathogenic.

Fulgent Genetics
Classification: Likely pathogenic for Schimke immuno-osseous dysplasia. Last evaluated: 2024-02-24. Review status: criteria provided, single submitter. Criteria: ACMG Guidelines, 2015. Collection method: clinical testing. Allele origin: germline.

Genetics and Molecular Pathology, SA Pathology
Classification: Likely pathogenic for Schimke immuno-osseous dysplasia. Last evaluated: 2023-04-04. Review status: criteria provided, single submitter. Criteria: ACMG Guidelines, 2015. Collection method: clinical testing. Allele origin: germline. Inheritance: Autosomal recessive inheritance. Affected: yes.
Comment: The SMARCAL1 c.836T>C variant is classified as Likely Pathogenic (PS4_Moderate, PM2, PM3, PP3) The SMARCAL1 c.836T>C variant is a single nucleotide change in exon 4/18 of the SMARCAL1 gene, which is predicted to change the amino acid phenylalanine at position 279 in the protein to serine. The variant has been reported in >5 affected patients in the literature (PMID:17089404, PMID:21914180, PMID:22998683, PMID:26499378, PMID:30295827) (PS4_Moderate). The variant is rare in population databases (gnomAD allele frequency = 0.0059%; 9 het and 0 hom in 152172 sequenced alleles; highest frequency = 0.010%, Non-Finnish European population) (PM2). This variant has been detected in trans with a pathogenic variant for this recessive condition (PMID:22998683, PMID:15880370, 30295827) (PM3). Computational predictions support a deleterious effect on the gene or gene product (PP3). The variant has been reported in dbSNP (rs775057827) and in the HGMD database as disease causing (CM051640). It has been reported as uncertain significance and likely pathogenic by other diagnostic laboratories (ClinVar Variation ID: 562357).

Revvity Omics, Revvity
Classification: Likely pathogenic for Schimke immuno-osseous dysplasia. Last evaluated: 2022-08-26. Review status: criteria provided, single submitter. Criteria: ACMG Guidelines, 2015. Collection method: clinical testing. Allele origin: germline.

Gharavi Laboratory, Columbia University
Classification: Likely pathogenic. Last evaluated: 2018-09-16. Review status: no assertion criteria provided. Criteria: ACMG Guidelines, 2015. Collection method: research. Allele origin: germline. Affected: yes. Not counted in ClinVar's aggregate classification.

Genome Diagnostics Laboratory, University Medical Center Utrecht
Classification: Uncertain significance. Review status: flagged submission. Collection method: clinical testing. Allele origin: germline. Affected: yes. Study: VKGL Data-share Consensus. Not counted in ClinVar's aggregate classification.
ClinVar note: Reason: Outlier claim with insufficient supporting evidence

Institute for Medical Genetics and Human Genetics, Charité - Universitätsmedizin Berlin
Classification: Uncertain significance. Review status: flagged submission. Criteria: ACMG Guidelines, 2015. Collection method: not provided. Allele origin: germline. Affected: yes. Not counted in ClinVar's aggregate classification.
ClinVar note: Reason: Outlier claim with insufficient supporting evidence

Joint Genome Diagnostic Labs from Nijmegen and Maastricht, Radboudumc and MUMC+
Classification: Uncertain significance. Review status: flagged submission. Collection method: clinical testing. Allele origin: germline. Affected: yes. Study: VKGL Data-share Consensus. Not counted in ClinVar's aggregate classification.
ClinVar note: Reason: Outlier claim with insufficient supporting evidence

Literature cited by the submitters: PubMed 15880370 (cited by Labcorp Genetics (formerly Invitae), Labcorp and Genetics and Molecular Pathology, SA Pathology); PubMed 15884045 (cited by Labcorp Genetics (formerly Invitae), Labcorp); PubMed 17089404 (cited by Labcorp Genetics (formerly Invitae), Labcorp and Genetics and Molecular Pathology, SA Pathology); PubMed 21914180 (cited by Labcorp Genetics (formerly Invitae), Labcorp and Genetics and Molecular Pathology, SA Pathology); PubMed 22998683 (cited by Labcorp Genetics (formerly Invitae), Labcorp and Genetics and Molecular Pathology, SA Pathology); PubMed 26499378 (cited by Labcorp Genetics (formerly Invitae), Labcorp and Genetics and Molecular Pathology, SA Pathology); PubMed 30586318 (cited by Labcorp Genetics (formerly Invitae), Labcorp); PubMed 28796785 (cited by Natera, Inc.); PubMed 18785907 (cited by Natera, Inc.); PubMed 30295827 (cited by Genetics and Molecular Pathology, SA Pathology).